The following is an entry in ClinVar:

NM_021620.4(PRDM13):c.673G>A (p.Glu225Lys)

Gene: PRDM13 (PR/SET domain 13; plus strand). Cytogenetic location: 6q16.2.
Variant type: single nucleotide variant.
Coding change: c.673G>A on transcript NM_021620.4 (MANE Select); coding-DNA position 673, G replaced by A.
Protein change: p.Glu225Lys; replaces glutamic acid 225 with lysine.
Molecular consequence: missense variant.
Genome position (GRCh38, 1-based): chr6:99,613,308, G>A. VCF-style: chr6-99613308-G-A. GRCh37 (hg19) VCF-style: chr6-100061184-G-A.
Other names: c.673G>A (NM_021620.3); short protein forms E225K.
Identifiers: ClinVar variation 1021302 (VCV001021302.9), dbSNP rs757996644, ClinGen allele CA3936258.
Genomic context (GRCh38, chr6:99,613,308, plus strand): 5'-GCAGGAACTTTGCGACCCCACCCCCTGGGCCCGCCACCAGTTCAGGCCTGCGGTGCGCGG[G>A]AGGGCATCAAGCGCGAGGCCTCTTCCGCGCCCTCGGCCACCTCGCCGACCCCAGGCAAGT-3'
Protein context (NP_067633.2, residues 215-235): PPPVQACGAR[Glu225Lys]GIKREASSAP

ClinVar aggregate classification (germline): Uncertain significance. Review status: criteria provided, multiple submitters, no conflicts (2 of 4 stars). 2 submissions from 2 submitters: Uncertain significance (2). Last evaluated 2025-05-30.

Conditions:
Inborn genetic diseases. Identifiers: MedGen C0950123, MeSH D030342.

Allele frequency attached by ClinVar (database versions not stated): TOPMed 0.00001.
gnomAD v4.1: 33 of 1,569,438 alleles (0.0021%); highest among the groups gnomAD compares: Admixed American, 0.0037%; no homozygotes.

Submissions (2):

Ambry Genetics
Classification: Uncertain significance for Inborn genetic diseases. Last evaluated: 2025-05-30. Review status: criteria provided, single submitter. Criteria: Ambry Variant Classification Scheme 2023. Collection method: clinical testing. Allele origin: germline.

Labcorp Genetics (formerly Invitae), Labcorp
Classification: Uncertain significance. Last evaluated: 2025-02-10. Review status: criteria provided, single submitter. Criteria: Invitae Variant Classification Sherloc (09022015). Collection method: clinical testing. Allele origin: germline.
Comment: This sequence change replaces glutamic acid, which is acidic and polar, with lysine, which is basic and polar, at codon 225 of the PRDM13 protein (p.Glu225Lys). This variant is present in population databases (rs757996644, gnomAD 0.004%). This variant has not been reported in the literature in individuals affected with PRDM13-related conditions. ClinVar contains an entry for this variant (Variation ID: 1021302). An algorithm developed to predict the effect of missense changes on protein structure and function (PolyPhen-2) suggests that this variant is likely to be tolerated. In summary, the available evidence is currently insufficient to determine the role of this variant in disease. Therefore, it has been classified as a Variant of Uncertain Significance.